The following is an entry in ClinVar:

ClinVar aggregate classification (germline): Benign. Review status: criteria provided, multiple submitters, no conflicts (2 of 4 stars). 8 submissions from 8 submitters: Benign (7). 1 of the submissions does not count toward it. Last evaluated 2026-02-04.

Conditions:
Fraser syndrome 3. Identifiers: MedGen C4540040, MONDO:0054739, OMIM 617667.
Fraser syndrome 1 (FRASRS1). Also called: CRYPTOPHTHALMOS WITH OTHER MALFORMATIONS. Identifiers: Orphanet 2052, MedGen C4551480, MONDO:0054737, OMIM 219000.

Allele frequency attached by ClinVar (database versions not stated): 1000 Genomes Project 0.24760; gnomAD 0.27190 and 0.26852; ExAC 0.24506; gnomAD exomes 0.24037; 1000 Genomes Project 30x 0.25437; TOPMed 0.26924; ESP Exome Variant Server 0.28639.
gnomAD v4.1: 376,436 of 1,454,456 alleles (26%); highest among the groups gnomAD compares: African/African-American, 31%; 50,228 homozygotes.

Submissions (11):

Labcorp Genetics (formerly Invitae), Labcorp
Classification: Benign. Last evaluated: 2026-02-04. Review status: criteria provided, single submitter. Criteria: Invitae Variant Classification Sherloc (09022015). Collection method: clinical testing. Allele origin: germline.

Genome-Nilou Lab
Classification: Benign for Fraser syndrome 3. Last evaluated: 2021-08-10. Review status: criteria provided, single submitter. Criteria: ACMG Guidelines, 2015. Collection method: clinical testing. Allele origin: germline. Affected: no.

GeneDx
Classification: Benign. Last evaluated: 2018-08-15. Review status: criteria provided, single submitter. Criteria: GeneDx Variant Classification Process June 2021. Collection method: clinical testing. Allele origin: germline. Affected: yes.

Illumina Laboratory Services, Illumina
Classification: Benign for Fraser syndrome 3. Last evaluated: 2018-01-13. Review status: criteria provided, single submitter. Criteria: ICSL Variant Classification Criteria 13 December 2019. Collection method: clinical testing. Allele origin: germline.
Comment: This variant was observed in the ICSL laboratory as part of a predisposition screen in an ostensibly healthy population. It had not been previously curated by ICSL or reported in the Human Gene Mutation Database (HGMD: prior to June 1st, 2018), and was therefore a candidate for classification through an automated scoring system. Utilizing variant allele frequency, disease prevalence and penetrance estimates, and inheritance mode, an automated score was calculated to assess if this variant is too frequent to cause the disease. Based on the score and internal cut-off values, a variant classified as benign is not then subjected to further curation. The score for this variant resulted in a classification of benign for this disease.

Genome Diagnostics Laboratory, University Medical Center Utrecht
Classification: Benign for Fraser syndrome 1. Last evaluated: 2014-10-09. Review status: criteria provided, single submitter. Criteria: ACGS Guidelines, 2013. Collection method: clinical testing. Allele origin: germline. Affected: yes. Study: VKGL Data-share Consensus.

Breakthrough Genomics
Classification: Benign. Review status: criteria provided, single submitter. Criteria: ACMG Guidelines, 2015. Collection method: not provided. Allele origin: germline. Inheritance: Autosomal recessive inheritance. Affected: yes.

PreventionGenetics, part of Exact Sciences
Classification: Benign. Review status: criteria provided, single submitter. Criteria: ACMG Guidelines, 2015. Collection method: clinical testing. Allele origin: germline.

Diagnostic Laboratory, Department of Genetics, University Medical Center Groningen
Classification: Benign for Fraser syndrome 1. Review status: no assertion criteria provided. Collection method: clinical testing. Allele origin: germline. Affected: yes. Study: VKGL Data-share Consensus. Not counted in ClinVar's aggregate classification.

Dr. Peter K. Rogan Lab, Western University
No classification provided (evidence only). Condition: Malignant lymphoma, large B-cell, diffuse. Review status: no classification provided. Collection method: in vitro. Allele origin: not applicable. Functional consequence: retained intron. Not counted in ClinVar's aggregate classification.

Dr. Peter K. Rogan Lab, Western University
No classification provided (evidence only). Condition: Malignant lymphoma, large B-cell, diffuse. Review status: no classification provided. Collection method: in vitro. Allele origin: not applicable. Functional consequence: retained intron. Not counted in ClinVar's aggregate classification.

Dr. Peter K. Rogan Lab, Western University
No classification provided (evidence only). Condition: Hepatocellular carcinoma. Review status: no classification provided. Collection method: in vitro. Allele origin: not applicable. Functional consequence: retained intron. Not counted in ClinVar's aggregate classification.

NM_001366722.1(GRIP1):c.503-15C>A

Gene: GRIP1 (glutamate receptor interacting protein 1; minus strand). Cytogenetic location: 12q14.3.
Variant type: single nucleotide variant.
Coding change: c.503-15C>A on transcript NM_001366722.1 (MANE Select); 15 bases into the intron before coding-DNA position 503, C replaced by A.
Molecular consequence: intron variant.
Genome position (GRCh38, 1-based): chr12:66,517,991, G>T on the plus strand (C>A on the coding strand, the complement: GRIP1 is on the minus strand). VCF-style: chr12-66517991-G-T. GRCh37 (hg19) VCF-style: chr12-66911771-G-T.
Other names: c.581-15C>A (NM_001366723.1, NM_001366724.1); c.503-15C>A (NM_001178074.2, NM_021150.4).
Identifiers: ClinVar variation 261412 (VCV000261412.24), dbSNP rs11838180, ClinGen allele CA6674612.